The following is an entry in ClinVar:

ClinVar aggregate classification (germline): Uncertain significance (1 of 4 stars; one submission).

Allele frequency attached by ClinVar (database versions not stated): gnomAD 0.00001.

Submission:

Labcorp Genetics (formerly Invitae), Labcorp
Classification: Uncertain significance. Last evaluated: 2025-03-04. Review status: criteria provided, single submitter. Criteria: Invitae Variant Classification Sherloc (09022015). Collection method: clinical testing. Allele origin: germline.
Comment: This sequence change replaces methionine, which is neutral and non-polar, with threonine, which is neutral and polar, at codon 1457 of the LRP5 protein (p.Met1457Thr). This variant is not present in population databases (gnomAD no frequency). This variant has not been reported in the literature in individuals affected with LRP5-related conditions. ClinVar contains an entry for this variant (Variation ID: 2961052). Invitae Evidence Modeling of protein sequence and biophysical properties (such as structural, functional, and spatial information, amino acid conservation, physicochemical variation, residue mobility, and thermodynamic stability) indicates that this missense variant is not expected to disrupt LRP5 protein function with a negative predictive value of 95%. In summary, the available evidence is currently insufficient to determine the role of this variant in disease. Therefore, it has been classified as a Variant of Uncertain Significance.

NM_002335.4(LRP5):c.4370T>C (p.Met1457Thr)

Gene: LRP5 (LDL receptor related protein 5; plus strand). Cytogenetic location: 11q13.2.
Variant type: single nucleotide variant.
Coding change: c.4370T>C on transcript NM_002335.4 (MANE Select); coding-DNA position 4370, T replaced by C.
Protein change: p.Met1457Thr; replaces methionine 1457 with threonine.
Molecular consequence: missense variant.
Genome position (GRCh38, 1-based): chr11:68,439,798, T>C. VCF-style: chr11-68439798-T-C. GRCh37 (hg19) VCF-style: chr11-68207266-T-C.
Other names: c.2627T>C, p.Met876Thr (NM_001291902.2); short protein forms M1457T, M876T.
Identifiers: ClinVar variation 2961052 (VCV002961052.3), dbSNP rs2098677124, ClinGen allele CA381616000.
Genomic context (GRCh38, chr11:68,439,798, plus strand): 5'-CTGGAAGCCACCTGACCTCCCCCGTCCCTTCCCTGCCAGGCATCGCATGCGGAAAGTCCA[T>C]GATGAGCTCCGTGAGCCTGATGGGGGGCCGGGGCGGGGTGCCCCTCTACGACCGGAACCA-3'
Protein context (NP_002326.2, residues 1447-1467): PFTGIACGKS[Met1457Thr]MSSVSLMGGR